The following is an entry in ClinVar:

NM_001377458.1(CLCC1):c.227A>G (p.Tyr76Cys)

Gene: CLCC1 (chloride channel CLIC like 1; minus strand). Cytogenetic location: 1p13.3.
Variant type: single nucleotide variant.
Coding change: c.227A>G on transcript NM_001377458.1 (MANE Select); coding-DNA position 227, A replaced by G.
Protein change: p.Tyr76Cys; replaces tyrosine 76 with cysteine.
Molecular consequence: missense variant. On other transcripts: 5 prime UTR variant (1), non-coding transcript variant (1), intron variant (1).
Genome position (GRCh38, 1-based): chr1:108,949,824, T>C on the plus strand (A>G on the coding strand, the complement: CLCC1 is on the minus strand). VCF-style: chr1-108949824-T-C. GRCh37 (hg19) VCF-style: chr1-109492446-T-C.
Other names: c.227A>G, p.Tyr76Cys (NM_001048210.3, NM_001278202.2, NM_001278203.1 and 11 more transcripts); c.-236A>G (NM_001377470.1); c.129+485A>G (NM_001377469.1); short protein forms Y76C.
Identifiers: ClinVar variation 936205 (VCV000936205.6), dbSNP rs773463901, ClinGen allele CA983656.

ClinVar aggregate classification (germline): Uncertain significance (1 of 4 stars; one submission).

Allele frequency attached by ClinVar (database versions not stated): gnomAD exomes below 0.00001 and 0.00003; gnomAD 0.00001; ExAC 0.00003.
gnomAD v4.1: 7 of 1,538,612 alleles (0.00045%); highest among the groups gnomAD compares: Admixed American, 0.012%; no homozygotes.

Submission:

Labcorp Genetics (formerly Invitae), Labcorp
Classification: Uncertain significance. Last evaluated: 2023-11-13. Review status: criteria provided, single submitter. Criteria: Invitae Variant Classification Sherloc (09022015). Collection method: clinical testing. Allele origin: germline.
Comment: This sequence change replaces tyrosine, which is neutral and polar, with cysteine, which is neutral and slightly polar, at codon 76 of the CLCC1 protein (p.Tyr76Cys). This variant is present in population databases (rs773463901, gnomAD 0.02%). This variant has not been reported in the literature in individuals affected with CLCC1-related conditions. ClinVar contains an entry for this variant (Variation ID: 936205). An algorithm developed to predict the effect of missense changes on protein structure and function (PolyPhen-2) suggests that this variant is likely to be disruptive. In summary, the available evidence is currently insufficient to determine the role of this variant in disease. Therefore, it has been classified as a Variant of Uncertain Significance.